The following is an entry in ClinVar:

NM_001286445.3(RIPOR2):c.3130G>A (p.Ala1044Thr)

Gene: RIPOR2 (RHO family interacting cell polarization regulator 2; minus strand). Cytogenetic location: 6p22.3.
Variant type: single nucleotide variant.
Coding change: c.3130G>A on transcript NM_001286445.3 (MANE Select); coding-DNA position 3130, G replaced by A.
Protein change: p.Ala1044Thr; replaces alanine 1044 with threonine.
Molecular consequence: missense variant.
Genome position (GRCh38, 1-based): chr6:24,806,387, C>T on the plus strand (G>A on the coding strand, the complement: RIPOR2 is on the minus strand). VCF-style: chr6-24806387-C-T. GRCh37 (hg19) VCF-style: chr6-24806615-C-T.
Other names: c.3193G>A (NM_014722.4, NM_014722.3, NM_014722.2); c.3043G>A, p.Ala1015Thr (NM_001346031.2, NM_001346032.2); c.3193G>A, p.Ala1065Thr (NM_014722.5); short protein forms A1044T, A1015T, A1065T.
Identifiers: ClinVar variation 2050878 (VCV002050878.10), dbSNP rs750363302, ClinGen allele CA3659028.

ClinVar aggregate classification (germline): Uncertain significance. Review status: criteria provided, multiple submitters, no conflicts (2 of 4 stars). 5 submissions from 5 submitters: Uncertain significance (5). Last evaluated 2026-07-28.

Conditions:
RIPOR2-related disorder. Also called: RIPOR2-related condition.

Allele frequency attached by ClinVar (database versions not stated): gnomAD exomes 0.00035; ExAC 0.00014; gnomAD 0.00019; TOPMed 0.00027.
gnomAD v4.1: 516 of 1,550,284 alleles (0.033%); highest among the groups gnomAD compares: Non-Finnish European, 0.043%; no homozygotes.

Submissions (5):

Ambry Genetics
Classification: Uncertain significance. Last evaluated: 2026-07-28. Review status: criteria provided, single submitter. Criteria: Ambry Variant Classification Scheme 2023. Collection method: clinical testing. Allele origin: germline.
Comment: The c.3193G>A (p.A1065T) alteration is located in exon 23 (coding exon 22) of the FAM65B gene. This alteration results from a G to A substitution at nucleotide position 3193, causing the alanine (A) at amino acid position 1065 to be replaced by a threonine (T). Based on data from gnomAD, the A allele has an overall frequency of 0.019% (35/187618) total alleles studied. The highest observed frequency was 0.042% (32/76024) of European (non-Finnish) alleles. Based on insufficient or conflicting evidence, the clinical significance of this alteration remains unclear.

PreventionGenetics, part of Exact Sciences
Classification: Uncertain significance for RIPOR2-related condition. Last evaluated: 2026-03-24. Review status: criteria provided, single submitter. Criteria: ACMG Guidelines, 2015. Collection method: clinical testing. Allele origin: germline.
Comment: The RIPOR2 c.3193G>A variant is predicted to result in the amino acid substitution p.Ala1065Thr. To our knowledge, this variant has not been reported in the literature. This variant is reported in 0.042% of alleles in individuals of European (Non-Finnish) descent in gnomAD. Although we suspect that this variant may be benign, at this time, the clinical significance of this variant is uncertain due to the absence of conclusive functional and genetic evidence.

Labcorp Genetics (formerly Invitae), Labcorp
Classification: Uncertain significance. Last evaluated: 2025-12-08. Review status: criteria provided, single submitter. Criteria: Invitae Variant Classification Sherloc (09022015). Collection method: clinical testing. Allele origin: germline.
Comment: This sequence change replaces alanine, which is neutral and non-polar, with threonine, which is neutral and polar, at codon 1065 of the FAM65B protein (p.Ala1065Thr). This variant is present in population databases (rs750363302, gnomAD 0.04%). This variant has not been reported in the literature in individuals affected with FAM65B-related conditions. ClinVar contains an entry for this variant (Variation ID: 2050878). An algorithm developed to predict the effect of missense changes on protein structure and function (PolyPhen-2) suggests that this variant is likely to be tolerated. In summary, the available evidence is currently insufficient to determine the role of this variant in disease. Therefore, it has been classified as a Variant of Uncertain Significance.

GeneDx
Classification: Uncertain significance. Last evaluated: 2025-04-22. Review status: criteria provided, single submitter. Criteria: GeneDx Variant Classification Process June 2021. Collection method: clinical testing. Allele origin: germline. Affected: yes.
Comment: In silico analysis indicates that this missense variant does not alter protein structure/function; Has not been previously published as pathogenic or benign to our knowledge

Blueprint Genetics
Classification: Uncertain significance. Last evaluated: 2024-11-01. Review status: criteria provided, single submitter. Criteria: ACMG Guidelines, 2015. Collection method: clinical testing. Allele origin: germline.